The following is an entry in ClinVar:

ClinVar aggregate classification (germline): Pathogenic (1 of 4 stars; one submission).

Conditions:
Lamellar ichthyosis. Identifiers: Orphanet 313, MedGen C5848247, MONDO:0017778.

gnomAD v4.1: 15 of 1,613,984 alleles (0.00093%); highest among the groups gnomAD compares: Non-Finnish European, 0.0013%; no homozygotes.

Submission:

Women's Health and Genetics/Laboratory Corporation of America, LabCorp
Classification: Pathogenic for Lamellar ichthyosis. Last evaluated: 2024-09-10. Review status: criteria provided, single submitter. Criteria: LabCorp Variant Classification Summary - May 2015. Collection method: clinical testing. Allele origin: germline.
Comment: Variant summary: PNPLA1 c.301A>G (p.Arg101Gly) results in a non-conservative amino acid change located in the Patatin-like phospholipase domain (IPR002641) of the encoded protein sequence. Three of five in-silico tools predict a damaging effect of the variant on protein function. The variant allele was found at a frequency of 8e-06 in 251484 control chromosomes. c.301A>G has been reported in the literature in multiple individuals affected with Lamellar Ichthyosis (Saat_2022, Simpson_2020, Zimmer_2017). These data indicate that the variant is very likely to be associated with disease. To our knowledge, no experimental evidence demonstrating an impact on protein function has been reported. The following publications have been ascertained in the context of this evaluation (PMID: 35734965, 31168818, 28093717). No submitters have cited clinical-significance assessments for this variant to ClinVar. Based on the evidence outlined above, the variant was classified as pathogenic.

Literature cited by the submitters: PubMed 31168818; PubMed 28093717; PubMed 35734965.

NM_001374623.1(PNPLA1):c.301A>G (p.Arg101Gly)

Gene: PNPLA1 (patatin like domain 1, omega-hydroxyceramide transacylase; plus strand). Cytogenetic location: 6p21.31.
Variant type: single nucleotide variant.
Coding change: c.301A>G on transcript NM_001374623.1 (MANE Select); coding-DNA position 301, A replaced by G.
Protein change: p.Arg101Gly; replaces arginine 101 with glycine.
Molecular consequence: missense variant.
Genome position (GRCh38, 1-based): chr6:36,291,415, A>G. VCF-style: chr6-36291415-A-G. GRCh37 (hg19) VCF-style: chr6-36259192-A-G.
Other names: c.16A>G, p.Arg6Gly (NM_001145716.2, NM_173676.2); c.301A>G, p.Arg101Gly (NM_001145717.1); short protein forms R101G, R6G.
Identifiers: ClinVar variation 3374967 (VCV003374967.1).